The following is an entry in ClinVar:

NM_000834.5(GRIN2B):c.2514C>T (p.Cys838=)

Gene: GRIN2B (glutamate ionotropic receptor NMDA type subunit 2B; minus strand). Cytogenetic location: 12p13.1.
Variant type: single nucleotide variant.
Coding change: c.2514C>T on transcript NM_000834.5 (MANE Select); coding-DNA position 2514, C replaced by T.
Protein change: p.Cys838=; no amino-acid change (cysteine 838 retained).
Molecular consequence: synonymous variant.
Genome position (GRCh38, 1-based): chr12:13,567,109, G>A on the plus strand (C>T on the coding strand, the complement: GRIN2B is on the minus strand). VCF-style: chr12-13567109-G-A. GRCh37 (hg19) VCF-style: chr12-13720043-G-A.
Other names: p.Cys838=; c.2514C>T (NM_000834.4).
Identifiers: ClinVar variation 129202 (VCV000129202.24), dbSNP rs3026160, ClinGen allele CA153044.
Genomic context (GRCh38, chr12:13,567,109, plus strand): 5'-AGGCTTGCCAGAACAGACACCCATAAAGCAATGTCGGAACTGCCAATAGAAAAGGTGTTC[G>A]CAGATGAAGGTGATGAGGCTGAGAGCCATGGCCGCCCCCAACATGTAGAAGACCCCTGCC-3'
Protein context (NP_000825.2, residues 828-848): AMALSLITFI[Cys838=]EHLFYWQFRH

ClinVar aggregate classification (germline): Benign. Review status: criteria provided, multiple submitters, no conflicts (2 of 4 stars). 8 submissions from 8 submitters: Benign (7). 1 of the submissions does not count toward it. Last evaluated 2026-02-03.

Conditions:
Inborn genetic diseases. Identifiers: MedGen C0950123, MeSH D030342.
Intellectual developmental disorder, autosomal dominant 6, with or without seizures. Also called: Intellectual disability, autosomal dominant 6; GRIN2B-related developmental delay, intellectual disability and autism spectrum disorder. Identifiers: Orphanet 589547, MedGen C3151411, MONDO:0013509, OMIM 613970.
Developmental and epileptic encephalopathy, 27 (DEE27). Also called: Epileptic encephalopathy, early infantile, 27; GRIN2B-Related Neurodevelopmental Disorder. Identifiers: Orphanet 3451, MedGen C4015316, MONDO:0014505, OMIM 616139.

Allele frequency attached by ClinVar (database versions not stated): 1000 Genomes Project 30x 0.04044; 1000 Genomes Project 0.04153; TOPMed 0.07644; gnomAD 0.08101 and 0.08178; gnomAD exomes 0.08582 and 0.12036; ExAC 0.08874; ESP Exome Variant Server 0.09411.
gnomAD v4.1: 187,171 of 1,613,670 alleles (12%); highest among the groups gnomAD compares: Non-Finnish European, 14%; 12,498 homozygotes.

Submissions (8):

Labcorp Genetics (formerly Invitae), Labcorp
Classification: Benign for Developmental and epileptic encephalopathy, 27; Intellectual developmental disorder, autosomal dominant 6, with or without seizures. Last evaluated: 2026-02-03. Review status: criteria provided, single submitter. Criteria: Invitae Variant Classification Sherloc (09022015). Collection method: clinical testing. Allele origin: germline.

Blueprint Genetics
Classification: Benign. Last evaluated: 2024-11-27. Review status: criteria provided, single submitter. Criteria: ACMG Guidelines, 2015. Collection method: clinical testing. Allele origin: germline.

Mayo Clinic Laboratories, Mayo Clinic
Classification: Benign. Last evaluated: 2018-04-10. Review status: criteria provided, single submitter. Criteria: ACMG Guidelines, 2015. Collection method: clinical testing. Allele origin: germline. Observed: 72 variant alleles.

Athena Diagnostics
Classification: Benign. Last evaluated: 2017-06-21. Review status: criteria provided, single submitter. Criteria: Athena Diagnostics Criteria. Collection method: clinical testing. Allele origin: germline.

Ambry Genetics
Classification: Benign for Inborn genetic diseases. Last evaluated: 2016-03-19. Review status: criteria provided, single submitter. Criteria: Ambry Variant Classification Scheme 2023. Collection method: clinical testing. Allele origin: germline.

GeneDx
Classification: Benign. Last evaluated: 2015-03-03. Review status: criteria provided, single submitter. Criteria: GeneDx Variant Classification Process June 2021. Collection method: clinical testing. Allele origin: germline. Affected: yes.

Breakthrough Genomics
Classification: Benign. Review status: criteria provided, single submitter. Criteria: ACMG Guidelines, 2015. Collection method: not provided. Allele origin: germline. Inheritance: Autosomal dominant inheritance. Affected: yes.

Genetic Services Laboratory, University of Chicago
Classification: Likely benign for AllHighlyPenetrant. Review status: no assertion criteria provided. Collection method: clinical testing. Allele origin: germline. Inheritance: Autosomal dominant inheritance. Not counted in ClinVar's aggregate classification.
Comment: Likely benign based on allele frequency in 1000 Genomes Project or ESP global frequency and its presence in a patient with a rare or unrelated disease phenotype. NOT Sanger confirmed.